The following is an entry in ClinVar:

NM_000548.5(TSC2):c.5071A>C (p.Met1691Leu)

Gene: TSC2 (TSC complex subunit 2; plus strand). Cytogenetic location: 16p13.3.
Variant type: single nucleotide variant.
Coding change: c.5071A>C on transcript NM_000548.5 (MANE Select); coding-DNA position 5071, A replaced by C.
Protein change: p.Met1691Leu; replaces methionine 1691 with leucine.
Molecular consequence: missense variant. On other transcripts: non-coding transcript variant (5).
Genome position (GRCh38, 1-based): chr16:2,088,050, A>C. VCF-style: chr16-2088050-A-C. GRCh37 (hg19) VCF-style: chr16-2138051-A-C.
Other names: c.4270A>C, p.Met1424Leu (NM_001406688.1, NM_001406687.1); c.3658A>C, p.Met1220Leu (NM_001406689.1); c.3598A>C, p.Met1200Leu (NM_001406690.1); c.3595A>C, p.Met1199Leu (NM_001406691.1); c.3529A>C, p.Met1177Leu (NM_001406692.1, NM_001406693.1, NM_001406694.1); c.3526A>C, p.Met1176Leu (NM_001406695.1, NM_001406696.1, NM_001406697.1); c.3268A>C, p.Met1090Leu (NM_001406698.1); c.4942A>C, p.Met1648Leu (NM_021055.3, NM_001370405.1); and 26 more; short protein forms M1220L, M1576L, M1619L, M1625L, M1631L, M1654L, M1424L, M1425L.
Identifiers: ClinVar variation 4842420 (VCV004842420.1).

ClinVar aggregate classification (germline): Uncertain significance (1 of 4 stars; one submission).

Conditions:
Hereditary cancer-predisposing syndrome. Also called: Neoplastic Syndromes, Hereditary; Tumor predisposition; Hereditary Cancer Syndrome; Hereditary neoplastic syndrome. Identifiers: Orphanet 140162, MedGen C0027672, MeSH D009386, MONDO:0015356.

Submission:

Ambry Genetics
Classification: Uncertain significance for Hereditary cancer-predisposing syndrome. Last evaluated: 2026-01-06. Review status: criteria provided, single submitter. Criteria: Ambry Variant Classification Scheme 2023. Collection method: clinical testing. Allele origin: germline.
Comment: The p.M1691L variant (also known as c.5071A>C), located in coding exon 39 of the TSC2 gene, results from an A to C substitution at nucleotide position 5071. The methionine at codon 1691 is replaced by leucine, an amino acid with highly similar properties. This amino acid position is conserved. In addition, the in silico prediction for this alteration is inconclusive. Based on the available evidence, the clinical significance of this variant remains unclear.